The following is an entry in ClinVar:

ClinVar aggregate classification (germline): Uncertain significance (1 of 4 stars; one submission).

Conditions:
Epidermolysis bullosa simplex 5B, with muscular dystrophy (EBS5B). Also called: EPIDERMOLYSIS BULLOSA SIMPLEX AND LIMB-GIRDLE MUSCULAR DYSTROPHY; Epidermolysis bullosa simplex with muscular dystrophy. Identifiers: Orphanet 257, MedGen C2931072, MONDO:0009181, OMIM 226670.
Epidermolysis bullosa simplex, Ogna type (EBS5A). Also called: Pidermolysis bullosa simplex 5A, Ogna type; EPIDERMOLYSIS BULLOSA SIMPLEX 5A, OGNA TYPE. Identifiers: Orphanet 79401, MedGen C0432317, MONDO:0007555, OMIM 131950.
Epidermolysis bullosa simplex with nail dystrophy (EBS5D). Identifiers: MedGen C4225309, MONDO:0014661, OMIM 616487.
Autosomal recessive limb-girdle muscular dystrophy type 2Q (LGMDR17). Also called: MUSCULAR DYSTROPHY, LIMB-GIRDLE, AUTOSOMAL RECESSIVE 17. Identifiers: Orphanet 254361, MedGen C3150989, MONDO:0013390, OMIM 613723.
Epidermolysis bullosa simplex 5C, with pyloric atresia (EBS5C). Also called: PLEC1-Related Epidermolysis Bullosa with Pyloric Atresia; Epidermolysis bullosa simplex with pyloric atresia; PLEC-Related Epidermolysis Bullosa with Pyloric Atresia. Identifiers: Orphanet 158684, MedGen C2677349, MONDO:0012807, OMIM 612138.

Allele frequency attached by ClinVar (database versions not stated): TOPMed below 0.00001; gnomAD exomes 0.00001; ExAC 0.00004; 1000 Genomes Project 30x 0.00016; 1000 Genomes Project 0.00020.
gnomAD v4.1: 10 of 1,601,078 alleles (0.00062%); highest among the groups gnomAD compares: African/African-American, 0.0067%; no homozygotes.

Submission:

Labcorp Genetics (formerly Invitae), Labcorp
Classification: Uncertain significance for Autosomal recessive limb-girdle muscular dystrophy type 2Q; Epidermolysis bullosa simplex, Ogna type; Epidermolysis bullosa simplex with nail dystrophy; Epidermolysis bullosa simplex 5C, with pyloric atresia; Epidermolysis bullosa simplex 5B, with muscular dystrophy. Last evaluated: 2023-09-11. Review status: criteria provided, single submitter. Criteria: Invitae Variant Classification Sherloc (09022015). Collection method: clinical testing. Allele origin: germline.
Comment: Advanced modeling of protein sequence and biophysical properties (such as structural, functional, and spatial information, amino acid conservation, physicochemical variation, residue mobility, and thermodynamic stability) performed at Invitae indicates that this missense variant is not expected to disrupt PLEC protein function. This sequence change replaces proline, which is neutral and non-polar, with serine, which is neutral and polar, at codon 1085 of the PLEC protein (p.Pro1085Ser). This variant is present in population databases (rs548522531, gnomAD 0.007%). This variant has not been reported in the literature in individuals affected with PLEC-related conditions. ClinVar contains an entry for this variant (Variation ID: 1905076). In summary, the available evidence is currently insufficient to determine the role of this variant in disease. Therefore, it has been classified as a Variant of Uncertain Significance.

NM_201384.3(PLEC):c.3172C>T (p.Pro1058Ser)

Gene: PLEC (plectin; minus strand). Cytogenetic location: 8q24.3.
Variant type: single nucleotide variant.
Coding change: c.3172C>T on transcript NM_201384.3 (MANE Select); coding-DNA position 3172, C replaced by T.
Protein change: p.Pro1058Ser; replaces proline 1058 with serine.
Molecular consequence: missense variant.
Genome position (GRCh38, 1-based): chr8:143,929,191, G>A on the plus strand (C>T on the coding strand, the complement: PLEC is on the minus strand). VCF-style: chr8-143929191-G-A. GRCh37 (hg19) VCF-style: chr8-145003359-G-A.
Other names: c.3184C>T, p.Pro1062Ser (NM_201383.3); c.3253C>T, p.Pro1085Ser (NM_000445.5, NM_001410941.1); c.3130C>T, p.Pro1044Ser (NM_201378.4); c.3106C>T, p.Pro1036Ser (NM_201379.3); c.3583C>T, p.Pro1195Ser (NM_201380.4); c.3076C>T, p.Pro1026Ser (NM_201381.3); c.3172C>T, p.Pro1058Ser (NM_201382.4); short protein forms P1026S, P1044S, P1036S, P1058S, P1062S, P1085S, P1195S.
Identifiers: ClinVar variation 1905076 (VCV001905076.5), dbSNP rs548522531, ClinGen allele CA4927185.